The following is an entry in ClinVar:

ClinVar aggregate classification (germline): Pathogenic (1 of 4 stars; one submission).

Submission:

GeneDx
Classification: Pathogenic. Last evaluated: 2016-04-14. Review status: criteria provided, single submitter. Criteria: GeneDx Variant Classification (06012015). Collection method: clinical testing. Allele origin: germline. Affected: yes.
Comment: The c.819_820delAG pathogenic variant in the EXT1 gene causes a frameshift starting with codon Glycine 274, changes this amino acid to an Aspartic acid residue and creates a premature Stop codon at position 14 of the new reading frame, denoted p.Gly274AspfsX14. This pathogenic variant is predicted to cause loss of normal protein function either through protein truncation or nonsense-mediated mRNA decay. The variant was not observed in approximately 6,500 individuals of European and African American ancestry in the NHLBI Exome Sequencing Project, indicating it is not a common benign variant in these populations.

NM_000127.3(EXT1):c.819_820del (p.Gly274fs)

Gene: EXT1 (exostosin glycosyltransferase 1; minus strand). Cytogenetic location: 8q24.11.
Variant type: Deletion.
Coding change: c.819_820del on transcript NM_000127.3 (MANE Select); coding-DNA positions 819 to 820, 2 bases deleted (AG; older notation c.819_820delAG).
Protein change: p.Gly274fs; shifts the reading frame from glycine 274.
Molecular consequence: frameshift variant.
Genome position (GRCh38, 1-based): chr8:118,110,227-118,110,228, CT deleted on the plus strand (AG on the coding strand, the reverse complement: EXT1 is on the minus strand). VCF-style (leftmost placement, unchanged base first): chr8-118110226-CCT-C. GRCh37 (hg19) VCF-style: chr8-119122465-CCT-C.
Other names: c.819_820delAG (NM_000127.2); short protein forms G274fs.
Identifiers: ClinVar variation 280507 (VCV000280507.2), dbSNP rs886041699, ClinGen allele CA10602972.